The following is an entry in ClinVar:

NM_002485.5(NBN):c.1849G>C (p.Glu617Gln)

Genes: NBN (nibrin; minus strand), LOC126860438 (MED14-independent group 3 enhancer GRCh37_chr8:90959982-90961181; plus strand). Cytogenetic location: 8q21.3.
Variant type: single nucleotide variant.
Coding change: c.1849G>C on transcript NM_002485.5 (MANE Select); coding-DNA position 1849, G replaced by C.
Protein change: p.Glu617Gln; replaces glutamic acid 617 with glutamine.
Molecular consequence: missense variant.
Genome position (GRCh38, 1-based): chr8:89,947,889, C>G on the plus strand (G>C on the coding strand, the complement: NBN is on the minus strand). VCF-style: chr8-89947889-C-G. GRCh37 (hg19) VCF-style: chr8-90960117-C-G.
Other names: c.1603G>C, p.Glu535Gln (NM_001024688.3); short protein forms E535Q, E617Q.
Identifiers: ClinVar variation 660569 (VCV000660569.9), dbSNP rs766602873, ClinGen allele CA371677320.
Genomic context (GRCh38, chr8:89,947,889, plus strand): 5'-TTTCTTTAGCTGACCATAGTGAGTCTTCCTTGAGTTCACGTTTCTTCCCAATTTCATTTT[C>G]TTGCTAAAGAAATAAAATAAAAAATACTGTTCATAGGAGTAATAAAATGGTATGTTTCTA-3'
Protein context (NP_002476.2, residues 607-627): AVPESSKISQ[Glu617Gln]NEIGKKRELK

ClinVar aggregate classification (germline): Uncertain significance (1 of 4 stars; one submission).

Conditions:
Microcephaly, normal intelligence and immunodeficiency (NBS). Also called: Microcephaly with normal intelligence immunodeficiency and lymphoreticular malignancies; Nonsyndromal microcephaly autosomal recessive with normal intelligence; Seemanova syndrome 2; Immunodeficiency, microcephaly with normal intelligence; SEEMANOVA SYNDROME II; Ataxia telangiectasia variant V1. Identifiers: Orphanet 647, MedGen C0398791, MONDO:0009623, OMIM 251260.

Submission:

Labcorp Genetics (formerly Invitae), Labcorp
Classification: Uncertain significance for Microcephaly, normal intelligence and immunodeficiency. Last evaluated: 2018-09-25. Review status: criteria provided, single submitter. Criteria: Invitae Variant Classification Sherloc (09022015). Collection method: clinical testing. Allele origin: germline.
Comment: This sequence change replaces glutamic acid with glutamine at codon 617 of the NBN protein (p.Glu617Gln). The glutamic acid residue is moderately conserved and there is a small physicochemical difference between glutamic acid and glutamine. This variant is not present in population databases (ExAC no frequency). This variant has not been reported in the literature in individuals with NBN-related disease. Algorithms developed to predict the effect of missense changes on protein structure and function (SIFT, PolyPhen-2, Align-GVGD) all suggest that this variant is likely to be tolerated, but these predictions have not been confirmed by published functional studies and their clinical significance is uncertain. In summary, the available evidence is currently insufficient to determine the role of this variant in disease. Therefore, it has been classified as a Variant of Uncertain Significance.